The following is an entry in ClinVar:

NM_020937.4(FANCM):c.6009-3del

Gene: FANCM (FA complementation group M; plus strand). Cytogenetic location: 14q21.2.
Variant type: Deletion.
Coding change: c.6009-3del on transcript NM_020937.4 (MANE Select); 3 bases into the intron before coding-DNA position 6009, one base deleted (C; older notation c.6009-3delC).
Molecular consequence: intron variant.
Genome position (GRCh38, 1-based): chr14:45,199,867, C deleted. VCF-style (leftmost placement, unchanged base first): chr14-45199866-TC-T. GRCh37 (hg19) VCF-style: chr14-45669069-TC-T.
Other names: c.6009-3del (NM_020937.3); c.5931-3del (NM_001308133.2).
Identifiers: ClinVar variation 2662047 (VCV002662047.3), dbSNP rs1890265245, ClinGen allele CA2133625327.

ClinVar aggregate classification (germline): Uncertain significance. Review status: criteria provided, multiple submitters, no conflicts (2 of 4 stars). 2 submissions from 2 submitters: Uncertain significance (2). Last evaluated 2024-07-31.

Allele frequency attached by ClinVar (database versions not stated): gnomAD exomes below 0.00001; TOPMed 0.00001.

Submissions (2):

GeneDx
Classification: Uncertain significance. Last evaluated: 2024-07-31. Review status: criteria provided, single submitter. Criteria: GeneDx Variant Classification Process June 2021. Collection method: clinical testing. Allele origin: germline.
Comment: Not observed at significant frequency in large population cohorts (gnomAD); In silico analysis indicates that this variant does not alter splicing; Has not been previously published as pathogenic or benign to our knowledge

Quest Diagnostics Nichols Institute San Juan Capistrano
Classification: Uncertain significance. Last evaluated: 2024-01-15. Review status: criteria provided, single submitter. Criteria: Quest Diagnostics criteria. Collection method: clinical testing. Allele origin: unknown.
Comment: The FANCM c.6009-3del variant has not been reported in individuals with FANCM-related conditions in the published literature. It also has not been reported in large, multi-ethnic general populations (Genome Aggregation Database). Analysis of this variant using software algorithms for the prediction of the effect of nucleotide changes on splicing yielded predictions that this variant does not affect FANCM mRNA splicing. Based on the available information, we are unable to determine the clinical significance of this variant.